The following is an entry in ClinVar:

ClinVar aggregate classification (germline): Uncertain significance. Review status: criteria provided, multiple submitters, no conflicts (2 of 4 stars). 2 submissions from 2 submitters: Uncertain significance (2). Last evaluated 2025-05-13.

Conditions:
Hereditary cancer-predisposing syndrome. Also called: Neoplastic Syndromes, Hereditary; Hereditary neoplastic syndrome; Tumor predisposition; Hereditary Cancer Syndrome. Identifiers: Orphanet 140162, MedGen C0027672, MeSH D009386, MONDO:0015356.
Hereditary breast ovarian cancer syndrome. Also called: Hereditary breast and/or ovarian cancer syndrome; Hereditary breast and ovarian cancer; Hereditary breast and ovarian cancer syndrome; Breast and ovarian cancer; Hereditary breast and ovarian cancer syndrome (HBOC); BRCA1- and BRCA2-Associated Hereditary Breast and Ovarian Cancer. Identifiers: Orphanet 145, MedGen C0677776, MeSH D061325, MONDO:0003582. Disease mechanism: loss of function.

Submissions (2):

Ambry Genetics
Classification: Uncertain significance for Hereditary cancer-predisposing syndrome. Last evaluated: 2025-05-13. Review status: criteria provided, single submitter. Criteria: Ambry Variant Classification Scheme 2023. Collection method: clinical testing. Allele origin: germline.
Comment: The p.K1823R variant (also known as c.5468A>G), located in coding exon 10 of the BRCA2 gene, results from an A to G substitution at nucleotide position 5468. The lysine at codon 1823 is replaced by arginine, an amino acid with highly similar properties. This amino acid position is not well conserved in available vertebrate species. In addition, this alteration is predicted to be tolerated by in silico analysis. Based on the available evidence, the clinical significance of this variant remains unclear.

Labcorp Genetics (formerly Invitae), Labcorp
Classification: Uncertain significance for Hereditary breast ovarian cancer syndrome. Last evaluated: 2023-01-08. Review status: criteria provided, single submitter. Criteria: Invitae Variant Classification Sherloc (09022015). Collection method: clinical testing. Allele origin: germline.
Comment: In summary, the available evidence is currently insufficient to determine the role of this variant in disease. Therefore, it has been classified as a Variant of Uncertain Significance. Advanced modeling of protein sequence and biophysical properties (such as structural, functional, and spatial information, amino acid conservation, physicochemical variation, residue mobility, and thermodynamic stability) performed at Invitae indicates that this missense variant is not expected to disrupt BRCA2 protein function. This variant has not been reported in the literature in individuals affected with BRCA2-related conditions. This variant is not present in population databases (gnomAD no frequency). This sequence change replaces lysine, which is basic and polar, with arginine, which is basic and polar, at codon 1823 of the BRCA2 protein (p.Lys1823Arg).

NM_000059.4(BRCA2):c.5468A>G (p.Lys1823Arg)

Gene: BRCA2 (BRCA2 DNA repair associated; plus strand). Cytogenetic location: 13q13.1.
Variant type: single nucleotide variant.
Coding change: c.5468A>G on transcript NM_000059.4 (MANE Select); coding-DNA position 5468, A replaced by G.
Protein change: p.Lys1823Arg; replaces lysine 1823 with arginine.
Molecular consequence: missense variant. On other transcripts: non-coding transcript variant (1), intron variant (2).
Genome position (GRCh38, 1-based): chr13:32,339,823, A>G. VCF-style: chr13-32339823-A-G. GRCh37 (hg19) VCF-style: chr13-32913960-A-G.
Other names: c.5468A>G, p.Lys1823Arg (NM_001406719.1, NM_001406720.1); c.1910-4735A>G (NM_001406721.1); c.425-4735A>G (NM_001406722.1); short protein forms K1823R.
Identifiers: ClinVar variation 2827103 (VCV002827103.4), dbSNP rs2137517792, ClinGen allele CA387785669.
Genomic context (GRCh38, chr13:32,339,823, plus strand): 5'-CTGTAAATGAAGATATTTGCGTTGAGGAACTTGTGACTAGCTCTTCACCCTGCAAAAATA[A>G]AAATGCAGCCATTAAATTGTCCATATCTAATAGTAATAATTTTGAGGTAGGGCCACCTGC-3'
Protein context (NP_000050.3, residues 1813-1833): LVTSSSPCKN[Lys1823Arg]NAAIKLSISN